The following is an entry in ClinVar:

NM_016219.5(MAN1B1):c.482T>C (p.Ile161Thr)

Gene: MAN1B1 (mannosidase alpha class 1B member 1; plus strand). Cytogenetic location: 9q34.3.
Variant type: single nucleotide variant.
Coding change: c.482T>C on transcript NM_016219.5 (MANE Select); coding-DNA position 482, T replaced by C.
Protein change: p.Ile161Thr; replaces isoleucine 161 with threonine.
Molecular consequence: missense variant. On other transcripts: non-coding transcript variant (2).
Genome position (GRCh38, 1-based): chr9:137,096,253, T>C. VCF-style: chr9-137096253-T-C. GRCh37 (hg19) VCF-style: chr9-139990705-T-C.
Other names: short protein forms I161T.
Identifiers: ClinVar variation 1506478 (VCV001506478.6), dbSNP rs2131002805, ClinGen allele CA375641971.
Genomic context (GRCh38, chr9:137,096,253, plus strand): 5'-TCGCAGACACCCCGTGATTTCCTGTGTGACCAATTTCTCTACAGAAGACACAAAGACACA[T>C]CCAGCGGGGACCACCTCACCTGCAGATTAGACCCCCAAGCCAAGACCTGAAGGATGGGAC-3'
Protein context (NP_057303.2, residues 151-171): EISSQKTQRH[Ile161Thr]QRGPPHLQIR

ClinVar aggregate classification (germline): Uncertain significance (1 of 4 stars; one submission).

Conditions:
Rafiq syndrome (RAFQS). Identifiers: Orphanet 88616, MedGen C3280127, MONDO:0013624, OMIM 614202.

Allele frequency attached by ClinVar (database versions not stated): gnomAD exomes below 0.00001.
gnomAD v4.1: 1 of 1,614,030 alleles (0.000062%); highest among the groups gnomAD compares: South Asian, 0.0011%; no homozygotes.

Submission:

Labcorp Genetics (formerly Invitae), Labcorp
Classification: Uncertain significance for Rafiq syndrome. Last evaluated: 2024-03-11. Review status: criteria provided, single submitter. Criteria: Invitae Variant Classification Sherloc (09022015). Collection method: clinical testing. Allele origin: germline.
Comment: This sequence change replaces isoleucine, which is neutral and non-polar, with threonine, which is neutral and polar, at codon 161 of the MAN1B1 protein (p.Ile161Thr). This variant is not present in population databases (gnomAD no frequency). This variant has not been reported in the literature in individuals affected with MAN1B1-related conditions. ClinVar contains an entry for this variant (Variation ID: 1506478). An algorithm developed to predict the effect of missense changes on protein structure and function (PolyPhen-2) suggests that this variant is likely to be tolerated. In summary, the available evidence is currently insufficient to determine the role of this variant in disease. Therefore, it has been classified as a Variant of Uncertain Significance.